The following is an entry in ClinVar:

NM_000135.4(FANCA):c.3761_3762del (p.Glu1254fs)

Gene: FANCA (FA complementation group A; minus strand). Cytogenetic location: 16q24.3.
Variant type: Microsatellite.
Coding change: c.3761_3762del on transcript NM_000135.4 (MANE Select); coding-DNA positions 3761 to 3762, 2 bases deleted (AG; older notation c.3761_3762delAG).
Protein change: p.Glu1254fs; shifts the reading frame from glutamic acid 1254.
Molecular consequence: frameshift variant.
Genome position (GRCh38, 1-based): chr16:89,742,803-89,742,804, CT deleted on the plus strand (AG on the coding strand, the reverse complement: FANCA is on the minus strand); deleting any 2 consecutive bases within chr16:89,742,803-89,742,811 gives the same sequence; the c. name uses the placement nearest the transcript's 3' end. VCF-style (leftmost placement, unchanged base first): chr16-89742802-CCT-C. GRCh37 (hg19) VCF-style: chr16-89809210-CCT-C.
Other names: c.3761_3762del (NM_000135.2); c.3761_3762del, p.Glu1254fs (NM_001286167.3); c.3761_3762delAG (NM_000135.4); short protein forms E1254fs.
Identifiers: ClinVar variation 370466 (VCV000370466.15), dbSNP rs868273545, ClinGen allele CA16041802.

ClinVar aggregate classification (germline): Pathogenic. Review status: criteria provided, multiple submitters, no conflicts (2 of 4 stars). 8 submissions from 8 submitters: Pathogenic (6). 2 of the submissions do not count toward it. Last evaluated 2025-09-10.

Conditions:
Fanconi anemia (FA). Also called: Fanconi's anemia. Identifiers: Orphanet 84, MedGen C0015625, MeSH D005199, MONDO:0019391.
Fanconi anemia complementation group A (FANCA). Also called: Fanconi anemia, group A; FANCA-Related Fanconi Anemia. Identifiers: Orphanet 84, MedGen C3469521, MONDO:0009215, OMIM 227650.

Submissions (8):

Genomic Medicine Center of Excellence, King Faisal Specialist Hospital and Research Centre
Classification: Pathogenic for Fanconi anemia complementation group A. Last evaluated: 2025-09-10. Review status: criteria provided, single submitter. Criteria: ACMG Guidelines, 2015. Collection method: clinical testing. Allele origin: germline.

Labcorp Genetics (formerly Invitae), Labcorp
Classification: Pathogenic for Fanconi anemia. Last evaluated: 2025-07-13. Review status: criteria provided, single submitter. Criteria: Invitae Variant Classification Sherloc (09022015). Collection method: clinical testing. Allele origin: germline.
Comment: This sequence change creates a premature translational stop signal (p.Glu1254Glyfs*23) in the FANCA gene. It is expected to result in an absent or disrupted protein product. Loss-of-function variants in FANCA are known to be pathogenic (PMID: 19367192). This variant is not present in population databases (gnomAD no frequency). This premature translational stop signal has been observed in individual(s) with Fanconi anemia (PMID: 9371798, 26799702). This variant is also known as c.3760_3761delGA. ClinVar contains an entry for this variant (Variation ID: 370466). For these reasons, this variant has been classified as Pathogenic.

Baylor Genetics
Classification: Pathogenic for Fanconi anemia complementation group A. Last evaluated: 2023-12-19. Review status: criteria provided, single submitter. Criteria: ACMG Guidelines, 2015. Collection method: clinical testing. Allele origin: unknown.

Fulgent Genetics
Classification: Pathogenic for Fanconi anemia complementation group A. Last evaluated: 2022-03-15. Review status: criteria provided, single submitter. Criteria: ACMG Guidelines, 2015. Collection method: clinical testing. Allele origin: unknown.

Laboratorio de Genetica e Diagnostico Molecular, Hospital Israelita Albert Einstein
Classification: Pathogenic. Last evaluated: 2020-03-20. Review status: criteria provided, single submitter. Criteria: ACMG Guidelines, 2015. Collection method: clinical testing. Allele origin: germline. Affected: yes.
Comment: ACMG classification criteria: PVS1, PS4, PM2

Lifecell International Pvt. Ltd
Classification: Pathogenic for Fanconi anemia complementation group A. Review status: criteria provided, single submitter. Criteria: ACMG Guidelines, 2015. Collection method: clinical testing. Allele origin: germline. Inheritance: X-linked dominant inheritance. Affected: yes. Observed: 1 heterozygote.
Comment: A Heterozygous Frameshift variant c.3761_3762delAG in Exon 37 of the FANCA gene that results in the amino acid substitution p.Glu1254fs*23 was identified. The observed variant novel in gnomAD exomes and genomes, respectively. The severity of the impact of this variant on the protein is high, based on the effect of the protein and REVEL score . Rare Exome Variant Ensemble Learner (REVEL) is an ensembl method for predicting the pathogenicity of missense variants based on a combination of scores from 13 individual tools: MutPred, FATHMM v2.3, VEST 3.0, PolyPhen-2, SIFT, PROVEAN, MutationAssessor, MutationTaster, LRT, GERP++, SiPhy, phyloP, and phastCons. The REVEL score for an individual missense variant can range from 0 to 1, with higher scores reflecting greater likelihood that the variant is disease-causing. ClinVar has also classified this variant as Pathogenic (variant ID: 370466). This variant was reported among the patients for Fanconi Anemia (Levran O et al., 1997). Based on the above evidence this variant has been classified as Pathogenic according to the ACMG guidelines.

Leiden Open Variation Database
Classification: Pathogenic for Fanconi anemia complementation group A. Last evaluated: 2020-02-28. Review status: no assertion criteria provided. Collection method: curation. Allele origin: germline. Affected: yes. Not counted in ClinVar's aggregate classification.
Comment: Curator: Arleen D. Auerbach. Submitters to LOVD: Arleen D. Auerbach, Sue Richards.

Counsyl
Classification: Pathogenic for Fanconi anemia complementation group A. Last evaluated: 2016-08-16. Review status: no assertion criteria provided. Collection method: clinical testing. Allele origin: unknown. Not counted in ClinVar's aggregate classification.

Literature cited by the submitters: PubMed 19367192 (cited by Labcorp Genetics (formerly Invitae), Labcorp); PubMed 9371798 (cited by 3 submitters); PubMed 26799702 (cited by Labcorp Genetics (formerly Invitae), Labcorp and Counsyl).